The following is an entry in ClinVar:

NM_000159.4(GCDH):c.272-13G>A

Gene: GCDH (glutaryl-CoA dehydrogenase; plus strand). Cytogenetic location: 19p13.13.
Variant type: single nucleotide variant.
Coding change: c.272-13G>A on transcript NM_000159.4 (MANE Select); 13 bases into the intron before coding-DNA position 272, G replaced by A.
Molecular consequence: intron variant.
Genome position (GRCh38, 1-based): chr19:12,892,103, G>A. VCF-style: chr19-12892103-G-A. GRCh37 (hg19) VCF-style: chr19-13002917-G-A.
Other names: c.272-13G>A (NM_013976.5).
Identifiers: ClinVar variation 3613969 (VCV003613969.1).

ClinVar aggregate classification (germline): Uncertain significance (1 of 4 stars; one submission).

Conditions:
Glutaric aciduria, type 1. Also called: GA I; Glutaricacidemia Type 1; Glutaricaciduria, type I; Glutaryl-CoA dehydrogenase deficiency; Glutaric Acidemia Type 1; Glutaric acidemia type I. Identifiers: Orphanet 25, MedGen C0268595, MONDO:0009281, OMIM 231670.

gnomAD v4.1: 1 of 1,614,100 alleles (0.000062%); highest among the groups gnomAD compares: Non-Finnish European, 0.000085%; no homozygotes.

Submission:

Labcorp Genetics (formerly Invitae), Labcorp
Classification: Uncertain significance for Glutaric aciduria, type 1. Last evaluated: 2025-01-29. Review status: criteria provided, single submitter. Criteria: Invitae Variant Classification Sherloc (09022015). Collection method: clinical testing. Allele origin: germline.
Comment: This sequence change falls in intron 4 of the GCDH gene. It does not directly change the encoded amino acid sequence of the GCDH protein. This variant is not present in population databases (gnomAD no frequency). This variant has not been reported in the literature in individuals affected with GCDH-related conditions. Algorithms developed to predict the effect of sequence changes on RNA splicing suggest that this variant may disrupt the consensus splice site. In summary, the available evidence is currently insufficient to determine the role of this variant in disease. Therefore, it has been classified as a Variant of Uncertain Significance.